The following is an entry in ClinVar:

ClinVar aggregate classification (germline): Uncertain significance (1 of 4 stars; one submission).

Conditions:
Familial adenomatous polyposis 1 (FAP1). Also called: FAMILIAL ADENOMATOUS POLYPOSIS 1, ATTENUATED; POLYPOSIS, ADENOMATOUS INTESTINAL. Identifiers: MedGen C2713442, MONDO:0021056, OMIM 175100. Disease mechanism: loss of function.

Submission:

Labcorp Genetics (formerly Invitae), Labcorp
Classification: Uncertain significance for Familial adenomatous polyposis 1. Last evaluated: 2023-10-23. Review status: criteria provided, single submitter. Criteria: Invitae Variant Classification Sherloc (09022015). Collection method: clinical testing. Allele origin: germline.
Comment: This variant occurs in a non-coding region of the APC gene. It does not change the encoded amino acid sequence of the APC protein. This variant is not present in population databases (gnomAD no frequency). This variant has not been reported in the literature in individuals affected with APC-related conditions. Experimental studies and prediction algorithms are not available or were not evaluated, and the functional significance of this variant is currently unknown. In summary, the available evidence is currently insufficient to determine the role of this variant in disease. Therefore, it has been classified as a Variant of Uncertain Significance.

NM_001127511.3(APC):c.139_141del (p.Ser47del)

Gene: APC (APC regulator of Wnt signaling pathway; plus strand). Cytogenetic location: 5q22.2.
Variant type: Deletion.
Coding change: c.139_141del on transcript NM_001127511.3; coding-DNA positions 139 to 141, 3 bases deleted (TCT; older notation c.139_141delTCT).
Protein change: p.Ser47del; deletes serine 47.
Molecular consequence: inframe deletion. On other transcripts: 5 prime UTR variant (8), non-coding transcript variant (1), intron variant (5).
Genome position (GRCh38, 1-based): chr5:112,707,856-112,707,858, TCT deleted; deleting any 3 consecutive bases within chr5:112,707,854-112,707,858 gives the same sequence; the c. name uses the placement nearest the transcript's 3' end. VCF-style (leftmost placement, unchanged base first): chr5-112707853-ACTT-A. GRCh37 (hg19) VCF-style: chr5-112043550-ACTT-A.
Other names: c.-45_-43del (NM_001354895.2, NM_001407447.1, NM_001407452.1 and 3 more transcripts); c.139_141del, p.Ser47del (NM_001354897.2, NM_001354902.2, NM_001407446.1); c.-1080_-1078del (NM_001407470.1, NM_001407472.1); c.-19+207_-19+209del (NM_001407448.1, NM_001407450.1, NM_001407457.1 and 1 more transcripts); c.-43+207_-43+209del (NM_001407453.1); short protein forms S47del.
Identifiers: ClinVar variation 2750901 (VCV002750901.3), dbSNP rs1750615636, ClinGen allele CA1573442785.